The following is an entry in ClinVar:

NM_001034116.2(EIF2B4):c.1298C>T (p.Pro433Leu)

Genes: EIF2B4 (eukaryotic translation initiation factor 2B subunit delta; minus strand), GTF3C2-AS2 (GTF3C2 antisense RNA 2; plus strand). Cytogenetic location: 2p23.3.
Variant type: single nucleotide variant.
Coding change: c.1298C>T on transcript NM_001034116.2 (MANE Select); coding-DNA position 1298, C replaced by T.
Protein change: p.Pro433Leu; replaces proline 433 with leucine.
Molecular consequence: missense variant.
Genome position (GRCh38, 1-based): chr2:27,364,792, G>A on the plus strand (C>T on the coding strand, the complement: EIF2B4 is on the minus strand). VCF-style: chr2-27364792-G-A. GRCh37 (hg19) VCF-style: chr2-27587659-G-A.
Other names: c.1361C>T, p.Pro454Leu (NM_001318965.2); c.1253C>T, p.Pro418Leu (NM_001318966.2); c.1205C>T, p.Pro402Leu (NM_001318967.2); c.713C>T, p.Pro238Leu (NM_001318968.2); c.680C>T, p.Pro227Leu (NM_001318969.2); c.1295C>T, p.Pro432Leu (NM_015636.4); c.1358C>T, p.Pro453Leu (NM_172195.4); short protein forms P418L, P402L, P454L, P227L, P238L, P432L, P433L, P453L.
Identifiers: ClinVar variation 2006179 (VCV002006179.4), dbSNP rs1681721084, ClinGen allele CA346197057.
Genomic context (GRCh38, chr2:27,364,792, plus strand): 5'-ACAAAGGCATCAGTCTGCACACGCTCACAGAACTTGTATGTTTCACAGCAAACCAGCACT[G>A]GTACATTATGGGCTCGAGCCACCAGGGCTAACTGTGCTGTCCCTACCCGTGACATCACAG-3'
Protein context (NP_001029288.1, residues 423-443): LALVARAHNV[Pro433Leu]VLVCCETYKF

ClinVar aggregate classification (germline): Uncertain significance (1 of 4 stars; one submission).

Allele frequency attached by ClinVar (database versions not stated): gnomAD exomes below 0.00001.
gnomAD v4.1: 1 of 1,614,124 alleles (0.000062%); highest among the groups gnomAD compares: Non-Finnish European, 0.000085%; no homozygotes.

Submission:

Labcorp Genetics (formerly Invitae), Labcorp
Classification: Uncertain significance. Last evaluated: 2022-09-13. Review status: criteria provided, single submitter. Criteria: Invitae Variant Classification Sherloc (09022015). Collection method: clinical testing. Allele origin: germline.
Comment: In summary, the available evidence is currently insufficient to determine the role of this variant in disease. Therefore, it has been classified as a Variant of Uncertain Significance. Algorithms developed to predict the effect of missense changes on protein structure and function (SIFT, PolyPhen-2, Align-GVGD) all suggest that this variant is likely to be disruptive. This variant has not been reported in the literature in individuals affected with EIF2B4-related conditions. This variant is not present in population databases (gnomAD no frequency). This sequence change replaces proline, which is neutral and non-polar, with leucine, which is neutral and non-polar, at codon 432 of the EIF2B4 protein (p.Pro432Leu).